The following is an entry in ClinVar:

NM_178862.3(STT3B):c.1837G>A (p.Gly613Arg)

Gene: STT3B (STT3 oligosaccharyltransferase complex catalytic subunit B; plus strand). Cytogenetic location: 3p23.
Variant type: single nucleotide variant.
Coding change: c.1837G>A on transcript NM_178862.3 (MANE Select); coding-DNA position 1837, G replaced by A.
Protein change: p.Gly613Arg; replaces glycine 613 with arginine.
Molecular consequence: missense variant.
Genome position (GRCh38, 1-based): chr3:31,625,023, G>A. VCF-style: chr3-31625023-G-A. GRCh37 (hg19) VCF-style: chr3-31666515-G-A.
Other names: short protein forms G613R.
Identifiers: ClinVar variation 2123911 (VCV002123911.4), dbSNP rs2470715766, ClinGen allele CA351815606.

ClinVar aggregate classification (germline): Uncertain significance (1 of 4 stars; one submission).

Conditions:
STT3B-congenital disorder of glycosylation. Also called: Congenital disorder of glycosylation type 1x; CDG Ix; STT3B-CDG. Identifiers: Orphanet 370924, MedGen C2931007, MONDO:0014271, OMIM 615597.

Submission:

Labcorp Genetics (formerly Invitae), Labcorp
Classification: Uncertain significance for STT3B-congenital disorder of glycosylation. Last evaluated: 2022-04-09. Review status: criteria provided, single submitter. Criteria: Invitae Variant Classification Sherloc (09022015). Collection method: clinical testing. Allele origin: germline.
Comment: This sequence change replaces glycine, which is neutral and non-polar, with arginine, which is basic and polar, at codon 613 of the STT3B protein (p.Gly613Arg). This variant is not present in population databases (gnomAD no frequency). This variant has not been reported in the literature in individuals affected with STT3B-related conditions. Algorithms developed to predict the effect of missense changes on protein structure and function (SIFT, PolyPhen-2, Align-GVGD) all suggest that this variant is likely to be disruptive. Algorithms developed to predict the effect of sequence changes on RNA splicing suggest that this variant may disrupt the consensus splice site. In summary, the available evidence is currently insufficient to determine the role of this variant in disease. Therefore, it has been classified as a Variant of Uncertain Significance.